The following is an entry in ClinVar:

NM_001127208.3(TET2):c.2676del (p.Ala893fs)

Genes: TET2 (tet methylcytosine dioxygenase 2; plus strand), TET2-AS1 (TET2 antisense RNA 1; minus strand). Cytogenetic location: 4q24.
Variant type: Deletion.
Coding change: c.2676del on transcript NM_001127208.3 (MANE Select); coding-DNA position 2676, one base deleted (A; older notation c.2676delA).
Protein change: p.Ala893fs; shifts the reading frame from alanine 893.
Molecular consequence: frameshift variant.
Genome position (GRCh38, 1-based): chr4:105,236,618, A deleted; the last of 2 consecutive A bases (chr4:105,236,617-105,236,618); deleting either gives the same sequence. VCF-style (leftmost placement, unchanged base first): chr4-105236616-CA-C. GRCh37 (hg19) VCF-style: chr4-106157773-CA-C.
Other names: c.2676del, p.Ala893fs (NM_017628.4); short protein forms A893fs.
Identifiers: ClinVar variation 2749521 (VCV002749521.3), dbSNP rs2476502834, ClinGen allele CA2697546851.
Genomic context (GRCh38, chr4:105,236,616, plus strand): 5'-GTGATCCCAAAGCAAGATCTTCTTCACAGGTGCTTTCAAGAACAGGAGCAGAAGTCACAA[CA>C]AGCTTCAGTTCTACAGGGATATAAAAATAGAAACCAAGATATGTCTGGTCAACAAGCTGC-3'

ClinVar aggregate classification (germline): Pathogenic (1 of 4 stars; one submission).

Submission:

Labcorp Genetics (formerly Invitae), Labcorp
Classification: Pathogenic. Last evaluated: 2023-08-02. Review status: criteria provided, single submitter. Criteria: Invitae Variant Classification Sherloc (09022015). Collection method: clinical testing. Allele origin: germline.
Comment: For these reasons, this variant has been classified as Pathogenic. This variant has not been reported in the literature in individuals affected with TET2-related conditions. This variant is not present in population databases (gnomAD no frequency). This sequence change creates a premature translational stop signal (p.Ala893Leufs*28) in the TET2 gene. It is expected to result in an absent or disrupted protein product. Loss-of-function variants in TET2 are known to be pathogenic (PMID: 36066697).

Literature cited by the submitters: PubMed 36066697.